The following is an entry in ClinVar:

ClinVar aggregate classification (germline): Likely benign (1 of 4 stars; one submission).

Allele frequency attached by ClinVar (database versions not stated): TOPMed 0.00001 and below 0.00001; gnomAD exomes below 0.00001.
gnomAD v4.1: 1 of 1,612,700 alleles (0.000062%); highest among the groups gnomAD compares: Non-Finnish European, 0.000085%; no homozygotes.

Submission:

GeneDx
Classification: Likely benign. Last evaluated: 2017-03-31. Review status: criteria provided, single submitter. Criteria: GeneDx Variant Classification (06012015). Collection method: clinical testing. Allele origin: germline. Affected: yes.
Comment: This variant is considered likely benign or benign based on one or more of the following criteria: it is a conservative change, it occurs at a poorly conserved position in the protein, it is predicted to be benign by multiple in silico algorithms, and/or has population frequency not consistent with disease.

NM_001267550.2(TTN):c.66687A>G (p.Gln22229=)

Genes: TTN (titin; minus strand), TTN-AS1 (TTN antisense RNA 1; plus strand). Cytogenetic location: 2q31.2.
Variant type: single nucleotide variant.
Coding change: c.66687A>G on transcript NM_001267550.2 (MANE Select); coding-DNA position 66687, A replaced by G.
Protein change: p.Gln22229=; no amino-acid change (glutamine 22229 retained).
Molecular consequence: synonymous variant.
Genome position (GRCh38, 1-based): chr2:178,581,581, T>C on the plus strand (A>G on the coding strand, the complement: TTN is on the minus strand). VCF-style: chr2-178581581-T-C. GRCh37 (hg19) VCF-style: chr2-179446308-T-C.
Other names: c.61764A>G, p.Gln20588= (NM_001256850.1); c.39492A>G, p.Gln13164= (NM_003319.4); c.58983A>G, p.Gln19661= (NM_133378.4); c.39867A>G, p.Gln13289= (NM_133432.3); c.40068A>G, p.Gln13356= (NM_133437.4).
Identifiers: ClinVar variation 508725 (VCV000508725.1), dbSNP rs879004400, ClinGen allele CA60958700.